The following is an entry in ClinVar:

ClinVar aggregate classification (germline): Pathogenic (1 of 4 stars; one submission).

Conditions:
Autosomal recessive severe congenital neutropenia due to CSF3R deficiency. Also called: Neutropenia, severe congenital, 7, autosomal recessive. Identifiers: Orphanet 420702, MedGen C4310764, MONDO:0014865, OMIM 617014.

Submission:

Labcorp Genetics (formerly Invitae), Labcorp
Classification: Pathogenic for Autosomal recessive severe congenital neutropenia due to CSF3R deficiency. Last evaluated: 2025-02-19. Review status: criteria provided, single submitter. Criteria: Invitae Variant Classification Sherloc (09022015). Collection method: clinical testing. Allele origin: germline.
Comment: This sequence change creates a premature translational stop signal (p.Met231Hisfs*10) in the CSF3R gene. It is expected to result in an absent or disrupted protein product. Loss-of-function variants in CSF3R are known to be pathogenic (PMID: 24753537, 26324699). The frequency data for this variant in the population databases is considered unreliable, as metrics indicate poor data quality at this position in the gnomAD database. This variant has not been reported in the literature in individuals affected with CSF3R-related conditions. ClinVar contains an entry for this variant (Variation ID: 1981802). For these reasons, this variant has been classified as Pathogenic.

Literature cited by the submitters: PubMed 24753537; PubMed 26324699.

NM_000760.4(CSF3R):c.690dup (p.Met231fs)

Gene: CSF3R (colony stimulating factor 3 receptor; minus strand). Cytogenetic location: 1p34.3.
Variant type: Duplication.
Coding change: c.690dup on transcript NM_000760.4 (MANE Select); coding-DNA position 690, one base duplicated (C; older notation c.690dupC).
Protein change: p.Met231fs; shifts the reading frame from methionine 231.
Molecular consequence: frameshift variant.
Genome position (GRCh38, 1-based): chr1:36,472,670, G duplicated on the plus strand (C on the coding strand, the reverse complement: CSF3R is on the minus strand); the first of 6 consecutive G bases (chr1:36,472,670-36,472,675); duplicating any one gives the same sequence. VCF-style (leftmost placement, unchanged base first): chr1-36472669-T-TG. GRCh37 (hg19) VCF-style: chr1-36938270-T-TG.
Other names: c.690dup, p.Met231fs (NM_156039.3, NM_172313.3); short protein forms M231fs.
Identifiers: ClinVar variation 1981802 (VCV001981802.4), dbSNP rs767251022, ClinGen allele CA769406.